The following is an entry in ClinVar:

NM_177438.3(DICER1):c.4072C>A (p.Arg1358Ser)

Gene: DICER1 (dicer 1, ribonuclease III; minus strand). Cytogenetic location: 14q32.13.
Variant type: single nucleotide variant.
Coding change: c.4072C>A on transcript NM_177438.3 (MANE Select); coding-DNA position 4072, C replaced by A.
Protein change: p.Arg1358Ser; replaces arginine 1358 with serine.
Molecular consequence: missense variant. On other transcripts: non-coding transcript variant (6).
Genome position (GRCh38, 1-based): chr14:95,099,914, G>T on the plus strand (C>A on the coding strand, the complement: DICER1 is on the minus strand). VCF-style: chr14-95099914-G-T. GRCh37 (hg19) VCF-style: chr14-95566251-G-T.
Other names: c.4072C>A, p.Arg1358Ser (NM_001195573.1, NM_001271282.3, NM_001291628.2 and 13 more transcripts); c.3790C>A, p.Arg1264Ser (NM_001395686.1); c.3667C>A, p.Arg1223Ser (NM_001395687.1, NM_001395688.1, NM_001395689.1 and 2 more transcripts); c.3505C>A, p.Arg1169Ser (NM_001395691.1); c.2389C>A, p.Arg797Ser (NM_001395697.1); short protein forms R1358S, R797S, R1223S, R1169S, R1264S.
Identifiers: ClinVar variation 2733065 (VCV002733065.3), dbSNP rs1185001854, ClinGen allele CA390872261.

ClinVar aggregate classification (germline): Uncertain significance (1 of 4 stars; one submission).

Conditions:
DICER1-related tumor predisposition. Also called: DICER1-related pleuropulmonary blastoma cancer predisposition syndrome; DICER1 syndrome. Identifiers: Orphanet 284343, MedGen C3839822, MONDO:0100216.

Submission:

Labcorp Genetics (formerly Invitae), Labcorp
Classification: Uncertain significance for DICER1-related tumor predisposition. Last evaluated: 2023-02-04. Review status: criteria provided, single submitter. Criteria: Invitae Variant Classification Sherloc (09022015). Collection method: clinical testing. Allele origin: germline.
Comment: In summary, the available evidence is currently insufficient to determine the role of this variant in disease. Therefore, it has been classified as a Variant of Uncertain Significance. Algorithms developed to predict the effect of sequence changes on RNA splicing suggest that this variant may create or strengthen a splice site. Advanced modeling of protein sequence and biophysical properties (such as structural, functional, and spatial information, amino acid conservation, physicochemical variation, residue mobility, and thermodynamic stability) performed at Invitae indicates that this missense variant is expected to disrupt DICER1 protein function. This variant has not been reported in the literature in individuals affected with DICER1-related conditions. This variant is not present in population databases (gnomAD no frequency). This sequence change replaces arginine, which is basic and polar, with serine, which is neutral and polar, at codon 1358 of the DICER1 protein (p.Arg1358Ser).